The following is an entry in ClinVar:

NM_000160.5(GCGR):c.860G>A (p.Cys287Tyr)

Gene: GCGR (glucagon receptor; plus strand). Cytogenetic location: 17q25.3.
Variant type: single nucleotide variant.
Coding change: c.860G>A on transcript NM_000160.5 (MANE Select); coding-DNA position 860, G replaced by A.
Protein change: p.Cys287Tyr; replaces cysteine 287 with tyrosine.
Molecular consequence: missense variant.
Genome position (GRCh38, 1-based): chr17:81,811,928, G>A. VCF-style: chr17-81811928-G-A. GRCh37 (hg19) VCF-style: chr17-79769804-G-A.
Other names: short protein forms C287Y.
Identifiers: ClinVar variation 1411049 (VCV001411049.8), dbSNP rs781285550, ClinGen allele CA8842132.
Genomic context (GRCh38, chr17:81,811,928, plus strand): 5'-AGCTGCTGCCCCCCACAGGTGCCCCCATGCTGTTCGTCGTCCCCTGGGCAGTGGTCAAGT[G>A]TCTGTTCGAGAACGTCCAGTGAGTATGAGCGGCTGGACAGCCTGGGGAGGGACCGGGGGG-3'
Protein context (NP_000151.1, residues 277-297): LFVVPWAVVK[Cys287Tyr]LFENVQCWTS

ClinVar aggregate classification (germline): Uncertain significance (1 of 4 stars; one submission).

Allele frequency attached by ClinVar (database versions not stated): TOPMed 0.00003; gnomAD 0.00004; gnomAD exomes 0.00004 and 0.00008; ExAC 0.00006.

Submission:

Labcorp Genetics (formerly Invitae), Labcorp
Classification: Uncertain significance. Last evaluated: 2025-12-01. Review status: criteria provided, single submitter. Criteria: Invitae Variant Classification Sherloc (09022015). Collection method: clinical testing. Allele origin: germline.
Comment: This sequence change replaces cysteine, which is neutral and slightly polar, with tyrosine, which is neutral and polar, at codon 287 of the GCGR protein (p.Cys287Tyr). This variant is present in population databases (rs781285550, gnomAD 0.01%). This variant has not been reported in the literature in individuals affected with GCGR-related conditions. ClinVar contains an entry for this variant (Variation ID: 1411049). An algorithm developed to predict the effect of missense changes on protein structure and function (PolyPhen-2) suggests that this variant is likely to be tolerated. In summary, the available evidence is currently insufficient to determine the role of this variant in disease. Therefore, it has been classified as a Variant of Uncertain Significance.